The following is an entry in ClinVar:

ClinVar aggregate classification (germline): Uncertain significance (1 of 4 stars; one submission).

Conditions:
Epileptic encephalopathy. Identifiers: MedGen C0543888, HP:0200134.

Allele frequency attached by ClinVar (database versions not stated): ExAC 0.00002; TOPMed 0.00002; gnomAD exomes 0.00003.
gnomAD v4.1: 5 of 1,614,018 alleles (0.00031%); highest among the groups gnomAD compares: East Asian, 0.0045%; no homozygotes.

Submission:

Labcorp Genetics (formerly Invitae), Labcorp
Classification: Uncertain significance for Epileptic encephalopathy. Last evaluated: 2020-04-13. Review status: criteria provided, single submitter. Criteria: Invitae Variant Classification Sherloc (09022015). Collection method: clinical testing. Allele origin: germline.
Comment: In summary, the available evidence is currently insufficient to determine the role of this variant in disease. Therefore, it has been classified as a Variant of Uncertain Significance. Algorithms developed to predict the effect of sequence changes on RNA splicing suggest that this variant may create or strengthen a splice site, but this prediction has not been confirmed by published transcriptional studies. This variant has not been reported in the literature in individuals with RYR3-related conditions. This variant is present in population databases (rs781218159, ExAC 0.02%). This sequence change affects codon 3385 of the RYR3 mRNA. It is a 'silent' change, meaning that it does not change the encoded amino acid sequence of the RYR3 protein.

NM_001036.6(RYR3):c.10155C>T (p.Gly3385=)

Gene: RYR3 (ryanodine receptor 3; plus strand). Cytogenetic location: 15q14.
Variant type: single nucleotide variant.
Coding change: c.10155C>T on transcript NM_001036.6 (MANE Select); coding-DNA position 10155, C replaced by T.
Protein change: p.Gly3385=; no amino-acid change (glycine 3385 retained).
Molecular consequence: synonymous variant.
Genome position (GRCh38, 1-based): chr15:33,810,607, C>T. VCF-style: chr15-33810607-C-T. GRCh37 (hg19) VCF-style: chr15-34102808-C-T.
Other names: c.10140C>T, p.Gly3380= (NM_001243996.4).
Identifiers: ClinVar variation 1044367 (VCV001044367.8), dbSNP rs781218159, ClinGen allele CA7460744.
Genomic context (GRCh38, chr15:33,810,607, plus strand): 5'-CCTCATCGTGGCTGCACTCAAGAAAATGCTGCCCATTGGTTTGAATATGTGTACTCCAGG[C>T]GACCAGGAGCTGATCTCCCTCGCAAAATCGCGATACAGCCATGTAAGCTGCCCGTCTGCC-3'
Protein context (NP_001027.3, residues 3375-3395): LPIGLNMCTP[Gly3385=]DQELISLAKS